The following is an entry in ClinVar:

NM_005120.3(MED12):c.3873G>A (p.Trp1291Ter)

Gene: MED12 (mediator complex subunit 12; plus strand). Cytogenetic location: Xq13.1.
Variant type: single nucleotide variant.
Coding change: c.3873G>A on transcript NM_005120.3 (MANE Select); coding-DNA position 3873, G replaced by A.
Protein change: p.Trp1291Ter; replaces tryptophan 1291 with a stop codon.
Molecular consequence: nonsense.
Genome position (GRCh38, 1-based): chrX:71,130,040, G>A. VCF-style: chrX-71130040-G-A. GRCh37 (hg19) VCF-style: chrX-70349890-G-A.
Other names: short protein forms W1291*.
Identifiers: ClinVar variation 1735731 (VCV001735731.3), dbSNP rs2092313037, ClinGen allele CA413522881.

ClinVar aggregate classification (germline): Pathogenic (1 of 4 stars; one submission).

Conditions:
Familial thoracic aortic aneurysm and aortic dissection (TAAD). Also called: Thoracic aortic aneurysms and dissections. Identifiers: Orphanet 91387, MedGen C4707243, MONDO:0019625.

Submission:

Ambry Genetics
Classification: Pathogenic for Familial thoracic aortic aneurysm and aortic dissection. Last evaluated: 2023-05-31. Review status: criteria provided, single submitter. Criteria: Ambry Variant Classification Scheme 2023. Collection method: clinical testing. Allele origin: germline.
Comment: The p.W1291* variant (also known as c.3873G>A), located in coding exon 28 of the MED12 gene, results from a G to A substitution at nucleotide position 3873. This changes the amino acid from a tryptophan to a stop codon within coding exon 28. This variant is considered to be rare based on population cohorts in the Genome Aggregation Database (gnomAD). This alteration is expected to result in loss of function by premature protein truncation or nonsense-mediated mRNA decay. As such, this alteration is interpreted as a disease-causing mutation.